The following is an entry in ClinVar:

NM_001127178.3(PIGG):c.1321G>A (p.Val441Met)

Gene: PIGG (phosphatidylinositol glycan anchor biosynthesis class G (EMM blood group); plus strand). Cytogenetic location: 4p16.3.
Variant type: single nucleotide variant.
Coding change: c.1321G>A on transcript NM_001127178.3 (MANE Select); coding-DNA position 1321, G replaced by A.
Protein change: p.Val441Met; replaces valine 441 with methionine.
Molecular consequence: missense variant. On other transcripts: non-coding transcript variant (6), intron variant (7).
Genome position (GRCh38, 1-based): chr4:521,262, G>A. VCF-style: chr4-521262-G-A. GRCh37 (hg19) VCF-style: chr4-515051-G-A.
Other names: c.1054G>A, p.Val352Met (NM_001289051.2, NM_001289053.2, NM_001345986.2); c.922G>A, p.Val308Met (NM_001289052.2); c.292G>A, p.Val98Met (NM_001345988.2); c.1321G>A, p.Val441Met (NM_001345989.2); c.234+13G>A (NM_001345994.2); c.1041+13G>A (NM_001345987.2); c.-202+35G>A (NM_001345991.2, NM_001345990.2); c.1308+13G>A (NM_017733.5); and 2 more; short protein forms V441M, V308M, V98M, V352M.
Identifiers: ClinVar variation 579808 (VCV000579808.4), dbSNP rs202037650, ClinGen allele CA2793276.
Genomic context (GRCh38, chr4:521,262, plus strand): 5'-TTGTCCCTGAGTGCACAAGTGGCCCAGTACGACATCTATTCGATGATGGTGGGGACTGTC[G>A]TGGTTTTGGAGGTACAGATGCTCACACAGTCATGGCTCAGGTGTTGCATTGATTTGATAA-3'
Protein context (NP_001120650.1, residues 431-451): DIYSMMVGTV[Val441Met]VLEVLTLLLL

ClinVar aggregate classification (germline): Uncertain significance (1 of 4 stars; one submission).

Conditions:
Intellectual disability, autosomal recessive 53 (NEDHSCA). Also called: GLYCOSYLPHOSPHATIDYLINOSITOL BIOSYNTHESIS DEFECT 13; Mental retardation, autosomal recessive 53; NEURODEVELOPMENTAL DISORDER WITH OR WITHOUT HYPOTONIA, SEIZURES, AND CEREBELLAR ATROPHY. Identifiers: Orphanet 488635, MedGen C4310794, MONDO:0014832, OMIM 616917.

Allele frequency attached by ClinVar (database versions not stated): ExAC 0.00003; gnomAD 0.00006; ESP Exome Variant Server 0.00008; TOPMed 0.00008.
gnomAD v4.1: 80 of 1,612,378 alleles (0.005%); highest among the groups gnomAD compares: African/African-American, 0.017%; no homozygotes.

Submission:

Labcorp Genetics (formerly Invitae), Labcorp
Classification: Uncertain significance for Intellectual disability, autosomal recessive 53. Last evaluated: 2022-07-26. Review status: criteria provided, single submitter. Criteria: Invitae Variant Classification Sherloc (09022015). Collection method: clinical testing. Allele origin: germline.
Comment: This sequence change replaces valine, which is neutral and non-polar, with methionine, which is neutral and non-polar, at codon 441 of the PIGG protein (p.Val441Met). This variant is present in population databases (rs202037650, gnomAD 0.02%). This variant has not been reported in the literature in individuals affected with PIGG-related conditions. ClinVar contains an entry for this variant (Variation ID: 579808). Algorithms developed to predict the effect of missense changes on protein structure and function output the following: SIFT: "Tolerated"; PolyPhen-2: "Benign"; Align-GVGD: "Class C0". The methionine amino acid residue is found in multiple mammalian species, which suggests that this missense change does not adversely affect protein function. In summary, the available evidence is currently insufficient to determine the role of this variant in disease. Therefore, it has been classified as a Variant of Uncertain Significance.